The following is an entry in ClinVar:

ClinVar aggregate classification (germline): Uncertain significance (1 of 4 stars; one submission).

gnomAD v4.1: 1 of 1,613,884 alleles (0.000062%); highest among the groups gnomAD compares: Non-Finnish European, 0.000085%; no homozygotes.

Submission:

Labcorp Genetics (formerly Invitae), Labcorp
Classification: Uncertain significance. Last evaluated: 2025-07-19. Review status: criteria provided, single submitter. Criteria: Invitae Variant Classification Sherloc (09022015). Collection method: clinical testing. Allele origin: germline.
Comment: This sequence change replaces lysine, which is basic and polar, with asparagine, which is neutral and polar, at codon 189 of the STN1 protein (p.Lys189Asn). This variant is not present in population databases (gnomAD no frequency). This variant has not been reported in the literature in individuals affected with STN1-related conditions. Invitae Evidence Modeling of protein sequence and biophysical properties (such as structural, functional, and spatial information, amino acid conservation, physicochemical variation, residue mobility, and thermodynamic stability) indicates that this missense variant is not expected to disrupt STN1 protein function with a negative predictive value of 80%. In summary, the available evidence is currently insufficient to determine the role of this variant in disease. Therefore, it has been classified as a Variant of Uncertain Significance.

NM_024928.5(STN1):c.567A>C (p.Lys189Asn)

Gene: STN1 (STN1 subunit of CST complex; minus strand). Cytogenetic location: 10q24.33.
Variant type: single nucleotide variant.
Coding change: c.567A>C on transcript NM_024928.5 (MANE Select); coding-DNA position 567, A replaced by C.
Protein change: p.Lys189Asn; replaces lysine 189 with asparagine.
Molecular consequence: missense variant.
Genome position (GRCh38, 1-based): chr10:103,898,891, T>G on the plus strand (A>C on the coding strand, the complement: STN1 is on the minus strand). VCF-style: chr10-103898891-T-G. GRCh37 (hg19) VCF-style: chr10-105658649-T-G.
Other names: short protein forms K189N.
Identifiers: ClinVar variation 4775778 (VCV004775778.1).